The following is an entry in ClinVar:

NM_139343.3(BIN1):c.1540C>T (p.Arg514Cys)

Gene: BIN1 (bridging integrator 1; minus strand). Cytogenetic location: 2q14.3.
Variant type: single nucleotide variant.
Coding change: c.1540C>T on transcript NM_139343.3 (MANE Select); coding-DNA position 1540, C replaced by T.
Protein change: p.Arg514Cys; replaces arginine 514 with cysteine.
Molecular consequence: missense variant.
Genome position (GRCh38, 1-based): chr2:127,050,834, G>A on the plus strand (C>T on the coding strand, the complement: BIN1 is on the minus strand). VCF-style: chr2-127050834-G-A. GRCh37 (hg19) VCF-style: chr2-127808410-G-A.
Other names: p.Arg514Cys; c.1033C>T, p.Arg345Cys (NM_001320632.2); c.1171C>T, p.Arg391Cys (NM_001320633.2); c.916C>T, p.Arg306Cys (NM_001320634.1); c.1300C>T, p.Arg434Cys (NM_001320640.2); c.1447C>T, p.Arg483Cys (NM_001320641.2); c.1459C>T, p.Arg487Cys (NM_001320642.1); c.1123C>T, p.Arg375Cys (NM_004305.4); and 8 more; short protein forms R306C, R330C, R345C, R360C, R375C, R391C, R396C, R403C.
Identifiers: ClinVar variation 1169621 (VCV001169621.13), dbSNP rs148422103, ClinGen allele CA1857008.
Genomic context (GRCh38, chr2:127,050,834, plus strand): 5'-CTGCAGCAGTCAGAGGCTGTGGGCTCACCTTGAACATGAAACCTGGGGGCAGGTCCAAGC[G>A]CCCGGCCCCACTGCCGCCCTCCACGGTGCCATTCACAGTTGCTGGGAAGGTCTCCACCAC-3'
Protein context (NP_647593.1, residues 504-524): GTVEGGSGAG[Arg514Cys]LDLPPGFMFK

ClinVar aggregate classification (germline): Benign/Likely benign. Review status: criteria provided, multiple submitters, no conflicts (2 of 4 stars). 4 submissions from 4 submitters: Benign (1); Likely benign (3). Last evaluated 2025-10-27.

Conditions:
Myopathy, centronuclear, 2 (CNM2). Also called: MYOTUBULAR MYOPATHY, AUTOSOMAL RECESSIVE. Identifiers: Orphanet 169186, MedGen CN031787, MONDO:0009709, OMIM 255200.

Allele frequency attached by ClinVar (database versions not stated): TOPMed 0.00020; ESP Exome Variant Server 0.00046; 1000 Genomes Project 30x 0.00078; 1000 Genomes Project 0.00080; ExAC 0.00132; gnomAD 0.00147 and 0.00152; gnomAD exomes 0.00168.
gnomAD v4.1: 1,111 of 1,613,636 alleles (0.069%); highest among the groups gnomAD compares: African/African-American, 0.039%; 7 homozygotes.

Submissions (6):

Labcorp Genetics (formerly Invitae), Labcorp
Classification: Benign for Myopathy, centronuclear, 2. Last evaluated: 2025-10-27. Review status: criteria provided, single submitter. Criteria: Invitae Variant Classification Sherloc (09022015). Collection method: clinical testing. Allele origin: germline.

Mayo Clinic Laboratories, Mayo Clinic
Classification: Likely benign. Last evaluated: 2025-04-23. Review status: criteria provided, single submitter. Criteria: ACMG Guidelines, 2015. Collection method: clinical testing. Allele origin: germline. Observed: 2 variant alleles.
Comment: BS1, BP4

Blueprint Genetics
Classification: Likely benign. Last evaluated: 2024-09-30. Review status: criteria provided, single submitter. Criteria: ACMG Guidelines, 2015. Collection method: clinical testing. Allele origin: germline.

Fulgent Genetics
Classification: Likely benign for Myopathy, centronuclear, 2. Last evaluated: 2021-11-12. Review status: criteria provided, single submitter. Criteria: ACMG Guidelines, 2015. Collection method: clinical testing. Allele origin: unknown.

Dr. Peter K. Rogan Lab, Western University
No classification provided (evidence only). Condition: Thyroid cancer, nonmedullary, 1. Review status: no classification provided. Collection method: in vitro. Allele origin: not applicable. Functional consequence: retained intron. Not counted in ClinVar's aggregate classification.

Dr. Peter K. Rogan Lab, Western University
No classification provided (evidence only). Condition: Gastric cancer. Review status: no classification provided. Collection method: in vitro. Allele origin: not applicable. Functional consequence: retained intron. Not counted in ClinVar's aggregate classification.